The following is an entry in ClinVar:

ClinVar aggregate classification (germline): Uncertain significance (1 of 4 stars; one submission).

Conditions:
Neurodevelopmental disorder with or without hyperkinetic movements and seizures, autosomal dominant. Also called: Intellectual disability, autosomal dominant 8. Identifiers: MedGen C3280282, MONDO:0013655, OMIM 614254.

Submission:

Labcorp Genetics (formerly Invitae), Labcorp
Classification: Uncertain significance for Neurodevelopmental disorder with or without hyperkinetic movements and seizures, autosomal dominant. Last evaluated: 2024-11-05. Review status: criteria provided, single submitter. Criteria: Invitae Variant Classification Sherloc (09022015). Collection method: clinical testing. Allele origin: germline.
Comment: This sequence change replaces glutamic acid, which is acidic and polar, with aspartic acid, which is acidic and polar, at codon 213 of the GRIN1 protein (p.Glu213Asp). This variant is not present in population databases (gnomAD no frequency). This variant has not been reported in the literature in individuals affected with GRIN1-related conditions. Invitae Evidence Modeling of protein sequence and biophysical properties (such as structural, functional, and spatial information, amino acid conservation, physicochemical variation, residue mobility, and thermodynamic stability) indicates that this missense variant is not expected to disrupt GRIN1 protein function with a negative predictive value of 95%. In summary, the available evidence is currently insufficient to determine the role of this variant in disease. Therefore, it has been classified as a Variant of Uncertain Significance.

NM_007327.4(GRIN1):c.639G>C (p.Glu213Asp)

Gene: GRIN1 (glutamate ionotropic receptor NMDA type subunit 1; plus strand). Cytogenetic location: 9q34.3.
Variant type: single nucleotide variant.
Coding change: c.639G>C on transcript NM_007327.4 (MANE Select); coding-DNA position 639, G replaced by C.
Protein change: p.Glu213Asp; replaces glutamic acid 213 with aspartic acid.
Molecular consequence: missense variant.
Genome position (GRCh38, 1-based): chr9:137,149,077, G>C. VCF-style: chr9-137149077-G-C. GRCh37 (hg19) VCF-style: chr9-140043529-G-C.
Other names: c.702G>C, p.Glu234Asp (NM_001185091.2, NM_001185090.2); c.639G>C, p.Glu213Asp (NM_021569.4, NM_000832.7); short protein forms E234D, E213D.
Identifiers: ClinVar variation 3720505 (VCV003720505.2).